The following is an entry in ClinVar:

NM_000053.4(ATP7B):c.2510del (p.Gly837fs)

Gene: ATP7B (ATPase copper transporting beta; minus strand). Cytogenetic location: 13q14.3.
Variant type: Deletion.
Coding change: c.2510del on transcript NM_000053.4 (MANE Select); coding-DNA position 2510, one base deleted (G; older notation c.2510delG).
Protein change: p.Gly837fs; shifts the reading frame from glycine 837.
Molecular consequence: frameshift variant.
Genome position (GRCh38, 1-based): chr13:51,950,337, C deleted on the plus strand (G on the coding strand, the reverse complement: ATP7B is on the minus strand); the first of 5 consecutive C bases (chr13:51,950,337-51,950,341); deleting any one gives the same sequence. VCF-style (leftmost placement, unchanged base first): chr13-51950336-TC-T. GRCh37 (hg19) VCF-style: chr13-52524472-TC-T.
Other names: c.2276del, p.Gly759fs (NM_001330578.2); c.2258del, p.Gly753fs (NM_001330579.2); c.2024del, p.Gly675fs (NM_001005918.3); c.2177del, p.Gly726fs (NM_001243182.2); short protein forms G675fs, G726fs, G753fs, G759fs, G837fs.
Identifiers: ClinVar variation 1069714 (VCV001069714.11), dbSNP rs964976261, ClinGen allele CA2499222478.
Genomic context (GRCh38, chr13:51,950,336, plus strand): 5'-GATGAGGGACTCATCAGCCATGGTATTGCCTTCCAGGACTTTCCCATCCACTGGAAACTT[TC>T]CCCCAGGGACCACCTTGACGATATCGCCCCGCTGCACCAGCTCCATGGGGACTTGCTCCT-3'

ClinVar aggregate classification (germline): Pathogenic. Review status: criteria provided, multiple submitters, no conflicts (2 of 4 stars). 2 submissions from 2 submitters: Pathogenic (2). Last evaluated 2022-05-13.

Conditions:
Wilson disease (WND). Also called: Wilson's disease. Identifiers: Orphanet 905, MedGen C0019202, MONDO:0010200, OMIM 277900. Disease mechanism: loss of function.

Submissions (2):

Labcorp Genetics (formerly Invitae), Labcorp
Classification: Pathogenic for Wilson disease. Last evaluated: 2022-05-13. Review status: criteria provided, single submitter. Criteria: Invitae Variant Classification Sherloc (09022015). Collection method: clinical testing. Allele origin: germline.
Comment: For these reasons, this variant has been classified as Pathogenic. ClinVar contains an entry for this variant (Variation ID: 1069714). This premature translational stop signal has been observed in individual(s) with Wilson disease (PMID: 21219664). This variant is not present in population databases (gnomAD no frequency). This sequence change creates a premature translational stop signal (p.Gly837Glufs*36) in the ATP7B gene. It is expected to result in an absent or disrupted protein product. Loss-of-function variants in ATP7B are known to be pathogenic (PMID: 10441329, 16283883).

Genome-Nilou Lab
Classification: Pathogenic for Wilson disease. Last evaluated: 2021-08-10. Review status: criteria provided, single submitter. Criteria: ACMG Guidelines, 2015. Collection method: clinical testing. Allele origin: germline. Affected: no.

Literature cited by the submitters: PubMed 21219664 (cited by Labcorp Genetics (formerly Invitae), Labcorp); PubMed 10441329 (cited by Labcorp Genetics (formerly Invitae), Labcorp); PubMed 16283883 (cited by Labcorp Genetics (formerly Invitae), Labcorp).